The following is an entry in ClinVar:

ClinVar aggregate classification (germline): Conflicting classifications of pathogenicity. Review status: criteria provided, conflicting classifications (1 of 4 stars). 4 submissions from 4 submitters: Uncertain significance (2); Likely benign (1). 1 of the submissions does not count toward it. Last evaluated 2023-07-17.

Conditions:
Spondylocostal dysostosis 2, autosomal recessive (SCDO2). Also called: Spondylocostal dysostosis type 2; MESP2-Related Spondylocostal Dysostosis, Autosomal Recessive. Identifiers: Orphanet 2311, MedGen C1837549, MONDO:0012097, OMIM 608681.
Inborn genetic diseases. Identifiers: MedGen C0950123, MeSH D030342.

Allele frequency attached by ClinVar (database versions not stated): ESP Exome Variant Server 0.00030; 1000 Genomes Project 0.00060; TOPMed 0.00077; 1000 Genomes Project 30x 0.00078.
gnomAD v4.1: 195 of 1,459,248 alleles (0.013%); highest among the groups gnomAD compares: African/African-American, 0.24%; 1 homozygote.

Submissions (4):

Ambry Genetics
Classification: Uncertain significance for Inborn genetic diseases. Last evaluated: 2023-07-17. Review status: criteria provided, single submitter. Criteria: Ambry Variant Classification Scheme 2023. Collection method: clinical testing. Allele origin: germline.

Labcorp Genetics (formerly Invitae), Labcorp
Classification: Uncertain significance. Last evaluated: 2022-09-28. Review status: criteria provided, single submitter. Criteria: Invitae Variant Classification Sherloc (09022015). Collection method: clinical testing. Allele origin: germline.
Comment: This sequence change replaces alanine, which is neutral and non-polar, with threonine, which is neutral and polar, at codon 173 of the MESP2 protein (p.Ala173Thr). This variant is present in population databases (rs374604155, gnomAD 0.2%). This variant has not been reported in the literature in individuals affected with MESP2-related conditions. ClinVar contains an entry for this variant (Variation ID: 845537). Advanced modeling of protein sequence and biophysical properties (such as structural, functional, and spatial information, amino acid conservation, physicochemical variation, residue mobility, and thermodynamic stability) performed at Invitae indicates that this missense variant is not expected to disrupt MESP2 protein function. In summary, the available evidence is currently insufficient to determine the role of this variant in disease. Therefore, it has been classified as a Variant of Uncertain Significance.

Illumina Laboratory Services, Illumina
Classification: Likely benign for Spondylocostal dysostosis 2, autosomal recessive. Last evaluated: 2018-01-13. Review status: criteria provided, single submitter. Criteria: ICSL Variant Classification Criteria 13 December 2019. Collection method: clinical testing. Allele origin: germline.
Comment: This variant was observed in the ICSL laboratory as part of a predisposition screen in an ostensibly healthy population. It had not been previously curated by ICSL or reported in the Human Gene Mutation Database (HGMD: prior to June 1st, 2018), and was therefore a candidate for classification through an automated scoring system. Utilizing variant allele frequency, disease prevalence and penetrance estimates, and inheritance mode, an automated score was calculated to assess if this variant is too frequent to cause the disease. Based on the score and internal cut-off values, a variant classified as likely benign is not then subjected to further curation. The score for this variant resulted in a classification of likely benign for this disease.

Natera, Inc.
Classification: Uncertain significance for Spondylocostal dysostosis type 2. Last evaluated: 2020-02-13. Review status: no assertion criteria provided. Collection method: clinical testing. Allele origin: germline. Not counted in ClinVar's aggregate classification.

NM_001039958.2(MESP2):c.517G>A (p.Ala173Thr)

Gene: MESP2 (mesoderm posterior bHLH transcription factor 2; plus strand). Cytogenetic location: 15q26.1.
Variant type: single nucleotide variant.
Coding change: c.517G>A on transcript NM_001039958.2 (MANE Select); coding-DNA position 517, G replaced by A.
Protein change: p.Ala173Thr; replaces alanine 173 with threonine.
Molecular consequence: missense variant.
Genome position (GRCh38, 1-based): chr15:89,776,874, G>A. VCF-style: chr15-89776874-G-A. GRCh37 (hg19) VCF-style: chr15-90320105-G-A.
Other names: short protein forms A173T.
Identifiers: ClinVar variation 845537 (VCV000845537.10), dbSNP rs374604155, ClinGen allele CA7730434.
Genomic context (GRCh38, chr15:89,776,874, plus strand): 5'-CGCGGGGACGCGGGGTCCCCTTGGGGCTGCCCGCTGTGCCCCGACCGTGGCCCCGCAGAG[G>A]CGCAGACGCAGGCGGAGGGGCAGGGGCAAGGGCAGGGGCAGGGGCAGGGGCAAGGGCAGG-3'
Protein context (NP_001035047.1, residues 163-183): PLCPDRGPAE[Ala173Thr]QTQAEGQGQG